The following is an entry in ClinVar:

NM_001065.4(TNFRSF1A):c.265T>C (p.Phe89Leu)

Gene: TNFRSF1A (TNF receptor superfamily member 1A; minus strand). Cytogenetic location: 12p13.31.
Variant type: single nucleotide variant.
Coding change: c.265T>C on transcript NM_001065.4 (MANE Select); coding-DNA position 265, T replaced by C.
Protein change: p.Phe89Leu; replaces phenylalanine 89 with leucine.
Molecular consequence: missense variant. On other transcripts: 5 prime UTR variant (2), non-coding transcript variant (1).
Genome position (GRCh38, 1-based): chr12:6,333,794, A>G on the plus strand (T>C on the coding strand, the complement: TNFRSF1A is on the minus strand). VCF-style: chr12-6333794-A-G. GRCh37 (hg19) VCF-style: chr12-6442960-A-G.
Other names: c.-60T>C (NM_001346091.2); c.-313T>C (NM_001346092.2); short protein forms F89L.
Identifiers: ClinVar variation 97676 (VCV000097676.7), dbSNP rs104895245, ClinGen allele CA280787.
Genomic context (GRCh38, chr12:6,333,794, plus strand): 5'-CACCCTTTCGGCATTTGGAGCAGCTGAGGCAGTGTCTGAGGTGGTTTTCTGAAGCGGTGA[A>G]GGAGCCGCTCTCACACTCCCTGCAGTCCGTATCCTGCCCCGGGCCTGGACAGTCATTGTA-3'
Protein context (NP_001056.1, residues 79-99): TDCRECESGS[Phe89Leu]TASENHLRHC

ClinVar aggregate classification (germline): Conflicting classifications of pathogenicity. Review status: criteria provided, conflicting classifications (1 of 4 stars). 3 submissions from 3 submitters: Likely pathogenic (1); Uncertain significance (1). 1 of the submissions does not count toward it. Last evaluated 2025-06-15.

Conditions:
TNF receptor-associated periodic fever syndrome (TRAPS) (FPF). Also called: Autosomal Dominant Familial Periodic Fever; TNF RECEPTOR-ASSOCIATED PERIODIC SYNDROME; TUMOR NECROSIS FACTOR RECEPTOR-ASSOCIATED PERIODIC SYNDROME; TNF Receptor-Associated Periodic Fever Syndrome; FAMILIAL HIBERNIAN FEVER; TNF receptor 1-associated periodic fever syndrome. Identifiers: Orphanet 32960, MedGen C1275126, MONDO:0007727, OMIM 142680.

Submissions (3):

Labcorp Genetics (formerly Invitae), Labcorp
Classification: Uncertain significance for TNF receptor-associated periodic fever syndrome (TRAPS). Last evaluated: 2025-06-15. Review status: criteria provided, single submitter. Criteria: Invitae Variant Classification Sherloc (09022015). Collection method: clinical testing. Allele origin: germline.
Comment: This sequence change replaces phenylalanine, which is neutral and non-polar, with leucine, which is neutral and non-polar, at codon 89 of the TNFRSF1A protein (p.Phe89Leu). This variant is not present in population databases (gnomAD no frequency). This missense change has been observed in individuals with clinical features of TNFRSF1A-related conditions (PMID: 21420073, 23965844; internal data). ClinVar contains an entry for this variant (Variation ID: 97676). Invitae Evidence Modeling of protein sequence and biophysical properties (such as structural, functional, and spatial information, amino acid conservation, physicochemical variation, residue mobility, and thermodynamic stability) has been performed for this missense variant. However, the output from this modeling did not meet the statistical confidence thresholds required to predict the impact of this variant on TNFRSF1A protein function. Experimental studies have shown that this missense change affects TNFRSF1A function (PMID: 21420073). In summary, the available evidence is currently insufficient to determine the role of this variant in disease. Therefore, it has been classified as a Variant of Uncertain Significance.

GeneDx
Classification: Likely pathogenic. Last evaluated: 2016-08-01. Review status: criteria provided, single submitter. Criteria: GeneDx Variant Classification (06012015). Collection method: clinical testing. Allele origin: germline. Affected: yes.
Comment: The F89L variant has been published previously in association with TRAPS (Lachmann et al., 2014). Additionally, other publications have reported this variant as F60L, arising from both a c.264 C>G and a c.267 A>G nucleotide change (Aganna et al., 2003; Dinc et al., 2005). While these papers may be reporting the same F60L variant caused by separate nucleotide changes, they did not include information necessary for us to determine the cause of these nomenclature discrepancies. The variant was not observed in approximately 6,500 individuals of European and African American ancestry in the NHLBI Exome Sequencing Project, indicating it is not a common benign variant in these populations. F89L is a conservative amino acid substitution, which is not likely to impact secondary protein structure as these residues share similar properties. This substitution occurs at a position that is not conserved; however, in silico analysis predicts this variant is probably damaging to the protein structure/function. Functional studies have shown that F89L increases TNF-stimulated c-Rel activity (Nedjai et al., 2011). Therefore, this variant is likely pathogenic; however, the possibility that it is benign cannot be excluded.

Unité médicale des maladies autoinflammatoires, CHRU Montpellier
No classification provided. Condition: TNF receptor-associated periodic fever syndrome (TRAPS). Review status: no classification provided. Collection method: not provided. Allele origin: unknown. Not counted in ClinVar's aggregate classification.

Literature cited by the submitters: PubMed 21420073 (cited by Labcorp Genetics (formerly Invitae), Labcorp); PubMed 23965844 (cited by Labcorp Genetics (formerly Invitae), Labcorp).